The following is an entry in ClinVar:

ClinVar aggregate classification (germline): Uncertain significance. Review status: criteria provided, multiple submitters, no conflicts (2 of 4 stars). 2 submissions from 2 submitters: Uncertain significance (2). Last evaluated 2024-06-02.

Conditions:
TH-deficient dopa-responsive dystonia. Also called: Tyrosine Hydroxylase-Deficient Dopa-Responsive Dystonia; Segawa syndrome, autosomal recessive; DYT-TH. Identifiers: Orphanet 101150, MedGen C2673535, MONDO:0011551, OMIM 605407.
Inborn genetic diseases. Identifiers: MedGen C0950123, MeSH D030342.

Allele frequency attached by ClinVar (database versions not stated): ExAC 0.00003; gnomAD 0.00005; TOPMed 0.00008.

Submissions (2):

Ambry Genetics
Classification: Uncertain significance for Inborn genetic diseases. Last evaluated: 2024-06-02. Review status: criteria provided, single submitter. Criteria: Ambry Variant Classification Scheme 2023. Collection method: clinical testing. Allele origin: germline.

Labcorp Genetics (formerly Invitae), Labcorp
Classification: Uncertain significance for TH-deficient dopa-responsive dystonia. Last evaluated: 2022-03-22. Review status: criteria provided, single submitter. Criteria: Invitae Variant Classification Sherloc (09022015). Collection method: clinical testing. Allele origin: germline.
Comment: This sequence change replaces arginine, which is basic and polar, with cysteine, which is neutral and slightly polar, at codon 68 of the TH protein (p.Arg68Cys). This variant is present in population databases (rs775339040, gnomAD 0.008%). This variant has not been reported in the literature in individuals affected with TH-related conditions. Algorithms developed to predict the effect of missense changes on protein structure and function are either unavailable or do not agree on the potential impact of this missense change (SIFT: "Deleterious"; PolyPhen-2: "Possibly Damaging"; Align-GVGD: "Class C0"). Algorithms developed to predict the effect of sequence changes on RNA splicing suggest that this variant may create or strengthen a splice site. In summary, the available evidence is currently insufficient to determine the role of this variant in disease. Therefore, it has been classified as a Variant of Uncertain Significance.

NM_000360.4(TH):c.109C>T (p.Arg37Cys)

Gene: TH (tyrosine hydroxylase; minus strand). Cytogenetic location: 11p15.5.
Variant type: single nucleotide variant.
Coding change: c.109C>T on transcript NM_000360.4 (MANE Select); coding-DNA position 109, C replaced by T.
Protein change: p.Arg37Cys; replaces arginine 37 with cysteine.
Molecular consequence: missense variant.
Genome position (GRCh38, 1-based): chr11:2,169,853, G>A on the plus strand (C>T on the coding strand, the complement: TH is on the minus strand). VCF-style: chr11-2169853-G-A. GRCh37 (hg19) VCF-style: chr11-2191083-G-A.
Other names: c.202C>T, p.Arg68Cys (NM_199292.3); c.190C>T, p.Arg64Cys (NM_199293.3); c.202C>T (NM_199292.2); short protein forms R64C, R68C, R37C.
Identifiers: ClinVar variation 2041057 (VCV002041057.2), dbSNP rs775339040, ClinGen allele CA5818791.
Genomic context (GRCh38, chr11:2,169,853, plus strand): 5'-CCGCTGCTGCCACCGCCGCCTCCCGCTCCTTGCGGGCGTCCTCGATGAGGCTCTGCCTGC[G>A]CCCAATGAACCGCGGGGACTGTGGGGACAAGGGGCACCCATGCCTCCTCCACCTGCTGAG-3'
Protein context (NP_000351.2, residues 27-47): EAIMSPRFIG[Arg37Cys]RQSLIEDARK